The following is an entry in ClinVar:

NM_000093.5(COL5A1):c.2183C>A (p.Ala728Asp)

Gene: COL5A1 (collagen type V alpha 1 chain; plus strand). Cytogenetic location: 9q34.3.
Variant type: single nucleotide variant.
Coding change: c.2183C>A on transcript NM_000093.5 (MANE Select); coding-DNA position 2183, C replaced by A.
Protein change: p.Ala728Asp; replaces alanine 728 with aspartic acid.
Molecular consequence: missense variant.
Genome position (GRCh38, 1-based): chr9:134,767,049, C>A. VCF-style: chr9-134767049-C-A. GRCh37 (hg19) VCF-style: chr9-137658895-C-A.
Other names: c.2183C>A, p.Ala728Asp (NM_001278074.1); short protein forms A728D.
Identifiers: ClinVar variation 4769548 (VCV004769548.1).

ClinVar aggregate classification (germline): Uncertain significance (1 of 4 stars; one submission).

Conditions:
Ehlers-Danlos syndrome, classic type, 1 (EDSCL1). Also called: EHLERS-DANLOS SYNDROME, GRAVIS TYPE; EHLERS-DANLOS SYNDROME, SEVERE CLASSIC TYPE; Ehlers-Danlos syndrome, type 1; Ehlers-Danlos Syndrome, Classic Type, COL5A1-Related; EDS I. Identifiers: MedGen C0268335, MONDO:0019567, OMIM 130000.

gnomAD v4.1: 2 of 1,613,416 alleles (0.00012%); highest among the groups gnomAD compares: Non-Finnish European, 0.00017%; no homozygotes.

Submission:

Labcorp Genetics (formerly Invitae), Labcorp
Classification: Uncertain significance for Ehlers-Danlos syndrome, classic type, 1. Last evaluated: 2025-11-30. Review status: criteria provided, single submitter. Criteria: Invitae Variant Classification Sherloc (09022015). Collection method: clinical testing. Allele origin: germline.
Comment: This sequence change replaces alanine, which is neutral and non-polar, with aspartic acid, which is acidic and polar, at codon 728 of the COL5A1 protein (p.Ala728Asp). This variant is not present in population databases (gnomAD no frequency). This variant has not been reported in the literature in individuals affected with COL5A1-related conditions. Invitae Evidence Modeling of protein sequence and biophysical properties (such as structural, functional, and spatial information, amino acid conservation, physicochemical variation, residue mobility, and thermodynamic stability) indicates that this missense variant is not expected to disrupt COL5A1 protein function with a negative predictive value of 95%. In summary, the available evidence is currently insufficient to determine the role of this variant in disease. Therefore, it has been classified as a Variant of Uncertain Significance.